The following is an entry in ClinVar:

ClinVar aggregate classification (germline): Uncertain significance (1 of 4 stars; one submission).

Conditions:
KMT2B-related disorder. Also called: KMT2B-related condition; KMT2B-related disorders. Identifiers: MedGen CN381338.

Submission:

PreventionGenetics, part of Exact Sciences
Classification: Uncertain significance for KMT2B-related condition. Last evaluated: 2026-01-12. Review status: criteria provided, single submitter. Criteria: ACMG Guidelines, 2015. Collection method: clinical testing. Allele origin: germline.
Comment: The KMT2B c.394G>A variant is predicted to result in the amino acid substitution p.Val132Met. To our knowledge, this variant has not been reported in the literature. This variant is reported in 0.011% of alleles in individuals of African descent in gnomAD. At this time, the clinical significance of this variant is uncertain due to the absence of conclusive functional and genetic evidence.

NM_014727.3(KMT2B):c.394G>A (p.Val132Met)

Gene: KMT2B (lysine methyltransferase 2B; plus strand). Cytogenetic location: 19q13.12.
Variant type: single nucleotide variant.
Coding change: c.394G>A on transcript NM_014727.3 (MANE Select); coding-DNA position 394, G replaced by A.
Protein change: p.Val132Met; replaces valine 132 with methionine.
Molecular consequence: missense variant.
Genome position (GRCh38, 1-based): chr19:35,719,499, G>A. VCF-style: chr19-35719499-G-A. GRCh37 (hg19) VCF-style: chr19-36210401-G-A.
Other names: short protein forms V132M.
Identifiers: ClinVar variation 4979891 (VCV004979891.1).